The following is an entry in ClinVar:

NM_004453.4(ETFDH):c.1001T>C (p.Leu334Pro)

Gene: ETFDH (electron transfer flavoprotein dehydrogenase; plus strand). Cytogenetic location: 4q32.1.
Variant type: single nucleotide variant.
Coding change: c.1001T>C on transcript NM_004453.4 (MANE Select); coding-DNA position 1001, T replaced by C.
Protein change: p.Leu334Pro; replaces leucine 334 with proline.
Molecular consequence: missense variant.
Genome position (GRCh38, 1-based): chr4:158,699,015, T>C. VCF-style: chr4-158699015-T-C. GRCh37 (hg19) VCF-style: chr4-159620167-T-C.
Other names: c.860T>C, p.Leu287Pro (NM_001281737.2); c.818T>C, p.Leu273Pro (NM_001281738.1); short protein forms L334P, L273P, L287P.
Identifiers: ClinVar variation 199094 (VCV000199094.25), dbSNP rs377686388, ClinGen allele CA346892.
Genomic context (GRCh38, chr4:158,699,015, plus strand): 5'-TGTCTAATTAAATATAAGTGTAAATTTTTAAGGTTGGTCTAGACTATCAGAATCCATACC[T>C]GAGTCCATTTAGAGAGTTCCAAAGGTGGAAACACCATCCTAGCATTCGGCCAACCTTGGA-3'
Protein context (NP_004444.2, residues 324-344): VVGLDYQNPY[Leu334Pro]SPFREFQRWK

ClinVar aggregate classification (germline): Pathogenic/Likely pathogenic. Review status: criteria provided, multiple submitters, no conflicts (2 of 4 stars). 10 submissions from 10 submitters: Pathogenic (9); Likely pathogenic (1). Last evaluated 2026-06-26.

Conditions:
ETFDH-related disorder. Also called: ETFDH-related condition.
Glutaric acidemia type 2C.
Inborn genetic diseases. Identifiers: MedGen C0950123, MeSH D030342.
Multiple acyl-CoA dehydrogenase deficiency (MADD). Also called: Glutaric acidemia type II; GA 2; Glutaric aciduria, type 2; ETHYLMALONIC-ADIPICACIDURIA; GA II; Glutaric Acidemia type 2. Identifiers: Orphanet 26791, MedGen C0268596, MONDO:0009282, OMIM 231680.

Allele frequency attached by ClinVar (database versions not stated): gnomAD exomes 0.00002; gnomAD 0.00003 and 0.00002; TOPMed 0.00004; ESP Exome Variant Server 0.00008; ExAC 0.00001.
gnomAD v4.1: 134 of 1,609,850 alleles (0.0083%); highest among the groups gnomAD compares: Non-Finnish European, 0.011%; no homozygotes.

Submissions (10):

Victorian Clinical Genetics Services, Murdoch Childrens Research Institute
Classification: Pathogenic for Multiple acyl-CoA dehydrogenase deficiency. Last evaluated: 2026-06-26. Review status: criteria provided, single submitter. Criteria: ACMG Guidelines, 2015. Collection method: clinical testing. Allele origin: germline. Affected: no.
Comment: This variant is classified as Pathogenic. Evidence in support of pathogenic classification: Variant is present in gnomAD <0.01 for a recessive condition (v4: 134 heterozygote(s), 0 homozygote(s)); This variant has strong previous evidence of pathogenicity in unrelated individuals. This variant has been classified as pathogenic by multiple clinical laboratories in ClinVar. This variant has been reported in the literature in homozygous and compound heterozygous neonates diagnosed with glutaric acidemia type II (GA2; PMID: 12359134); Missense variant predicted to be damaging by in silico tool(s) or highly conserved with a major amino acid change. Additional information: Variant is predicted to result in a missense amino acid change from Leu to Pro; This variant is heterozygous; This gene is associated with autosomal recessive disease; Alternative amino acid change(s) at the same position are present in gnomAD (highest allele count: v4: 2 heterozygote(s), 0 homozygote(s)); Variant is located in the annotated ETF-QO, ubiquinone-binding domain (DECIPHER); Loss of function is a known mechanism of disease in this gene and is associated with glutaric acidemia IIC (MIM#231680), also known as multiple acyl-CoA dehydrogenase deficiency (MADD); Variants in this gene are known to have variable expressivity and can present with high variability in age and severity of symptoms (OMIM, PMID: 33823724, 25200064).

Labcorp Genetics (formerly Invitae), Labcorp
Classification: Pathogenic for Multiple acyl-CoA dehydrogenase deficiency. Last evaluated: 2025-11-10. Review status: criteria provided, single submitter. Criteria: Invitae Variant Classification Sherloc (09022015). Collection method: clinical testing. Allele origin: germline.
Comment: This sequence change replaces leucine, which is neutral and non-polar, with proline, which is neutral and non-polar, at codon 334 of the ETFDH protein (p.Leu334Pro). This variant is present in population databases (rs377686388, gnomAD 0.006%). This missense change has been observed in individuals with multiple acyl-CoA dehydrogenase deficiency (PMID: 12359134, 17584774). ClinVar contains an entry for this variant (Variation ID: 199094). Invitae Evidence Modeling of protein sequence and biophysical properties (such as structural, functional, and spatial information, amino acid conservation, physicochemical variation, residue mobility, and thermodynamic stability) indicates that this missense variant is expected to disrupt ETFDH protein function with a positive predictive value of 80%. Experimental studies have shown that this missense change affects ETFDH function (PMID: 22611163). For these reasons, this variant has been classified as Pathogenic.

Natera, Inc.
Classification: Pathogenic for Glutaric acidemia type 2C. Last evaluated: 2025-08-25. Review status: criteria provided, single submitter. Criteria: Natera Variant Classification Schema (03/2026). Collection method: clinical testing. Allele origin: germline.
Comment: The c.1001T>C variant in ETFDH is a missense variant predicted to cause substitution of leucine to proline at amino acid 334. This variant is rare in the general population with a frequency below the threshold expected for the associated phenotype(s). This variant has been observed in one or more individuals affected with the associated recessive disease, as either homozygous or compound heterozygous with a second variant (PMID: 12359134). Given the available evidence, this variant is classified as Pathogenic.

Ambry Genetics
Classification: Pathogenic for Inborn genetic diseases. Last evaluated: 2024-10-25. Review status: criteria provided, single submitter. Criteria: Ambry Variant Classification Scheme 2023. Collection method: clinical testing. Allele origin: germline.
Comment: The c.1001T>C (p.L334P) alteration is located in exon 9 (coding exon 9) of the ETFDH gene. This alteration results from a T to C substitution at nucleotide position 1001, causing the leucine (L) at amino acid position 334 to be replaced by a proline (P). Based on data from gnomAD, the C allele has an overall frequency of 0.003% (8/282776) total alleles studied. The highest observed frequency was 0.014% (1/7222) of Other alleles. This alteration was detected in the homozygous state, and in conjunction with another alteration in ETFDH, in multiple individuals with ETFDH-related glutaric acidemia II (Olsen, 2007; Ambrose, 2022; Goodman, 2002). This amino acid position is well conserved in available vertebrate species. In an assay testing ETFDH function, this variant showed a functionally abnormal result (Cornelius, 2012). This alteration is predicted to be deleterious by in silico analysis. Based on the available evidence, this alteration is classified as pathogenic.

Blueprint Genetics
Classification: Pathogenic for ETFDH-related disorders. Last evaluated: 2024-09-09. Review status: criteria provided, single submitter. Criteria: ACMG Guidelines, 2015. Collection method: clinical testing. Allele origin: germline. Affected: yes. Observed: 5 variant alleles.

Baylor Genetics
Classification: Pathogenic for Multiple acyl-CoA dehydrogenase deficiency. Last evaluated: 2024-03-24. Review status: criteria provided, single submitter. Criteria: ACMG Guidelines, 2015. Collection method: clinical testing. Allele origin: unknown.

Women's Health and Genetics/Laboratory Corporation of America, LabCorp
Classification: Pathogenic for Multiple acyl-CoA dehydrogenase deficiency. Last evaluated: 2022-07-28. Review status: criteria provided, single submitter. Criteria: LabCorp Variant Classification Summary - May 2015. Collection method: clinical testing. Allele origin: germline.
Comment: Variant summary: ETFDH c.1001T>C (p.Leu334Pro) results in a non-conservative amino acid change in the encoded protein sequence. Five of five in-silico tools predict a damaging effect of the variant on protein function. The variant allele was found at a frequency of 2.4e-05 in 251366 control chromosomes. c.1001T>C has been reported in the literature in multiple individuals affected with Glutaric Aciduria, Type 2c (examples: Goodman_2002, Olsen_2007). These data indicate that the variant is very likely to be associated with disease. Expression studies showed that the variant results in profoundly reduced amount of protein amount and activity, with no significant response to increasing concentrations of riboflavin in culture media (Cornelius_2012). Four clinical diagnostic laboratories have submitted clinical-significance assessments for this variant to ClinVar after 2014 without evidence for independent evaluation. All laboratories classified the variant as pathogenic/likely pathogenic. Based on the evidence outlined above, the variant was classified as pathogenic.

GeneDx
Classification: Pathogenic. Last evaluated: 2022-06-01. Review status: criteria provided, single submitter. Criteria: GeneDx Variant Classification Process June 2021. Collection method: clinical testing. Allele origin: germline. Affected: yes.
Comment: Expression studies found that L334P is associated with profoundly decreased ETF-QO protein levels and enzyme activities compared to wild-type and that there was no significant improvement in activity in response to increasing riboflavin levels (Cornelius et al. 2012); Not observed at a significant frequency in large population cohorts (gnomAD); In silico analysis, which includes protein predictors and evolutionary conservation, supports a deleterious effect; This variant is associated with the following publications: (PMID: 12359134, 17584774, 22611163, 28263315, 31980526, 31904027)

Fulgent Genetics
Classification: Likely pathogenic for Multiple acyl-CoA dehydrogenase deficiency. Last evaluated: 2018-10-31. Review status: criteria provided, single submitter. Criteria: ACMG Guidelines, 2015. Collection method: clinical testing. Allele origin: unknown.

Eurofins Ntd Llc (ga)
Classification: Pathogenic. Last evaluated: 2014-12-10. Review status: criteria provided, single submitter. Criteria: EGL Classification Definitions 2015. Collection method: clinical testing. Allele origin: germline. Observed: 3 variant alleles, 3 heterozygotes.

Literature cited by the submitters: PubMed 12359134 (cited by 5 submitters); PubMed 25200064 (cited by Victorian Clinical Genetics Services, Murdoch Childrens Research Institute); PubMed 33823724 (cited by Victorian Clinical Genetics Services, Murdoch Childrens Research Institute); PubMed 17584774 (cited by 3 submitters); PubMed 22611163 (cited by 3 submitters); PubMed 36109795 (cited by Ambry Genetics).